The following is an entry in ClinVar:

ClinVar aggregate classification (germline): Uncertain significance (1 of 4 stars; one submission).

Conditions:
KDM6A-related disorder. Also called: KDM6A-related condition.

Submission:

PreventionGenetics, part of Exact Sciences
Classification: Uncertain significance for KDM6A-related condition. Last evaluated: 2023-09-16. Review status: criteria provided, single submitter. Criteria: ACMG Guidelines, 2015. Collection method: clinical testing. Allele origin: germline.
Comment: The KDM6A c.1849C>G variant is predicted to result in the amino acid substitution p.Leu617Val. To our knowledge, this variant has not been reported in the literature or in a large population database, indicating this variant is rare. At this time, the clinical significance of this variant is uncertain due to the absence of conclusive functional and genetic evidence.

NM_001291415.2(KDM6A):c.2005C>G (p.Leu669Val)

Gene: KDM6A (lysine demethylase 6A; plus strand). Cytogenetic location: Xp11.3.
Variant type: single nucleotide variant.
Coding change: c.2005C>G on transcript NM_001291415.2 (MANE Select); coding-DNA position 2005, C replaced by G.
Protein change: p.Leu669Val; replaces leucine 669 with valine.
Molecular consequence: missense variant. On other transcripts: non-coding transcript variant (1).
Genome position (GRCh38, 1-based): chrX:45,063,743, C>G. VCF-style: chrX-45063743-C-G. GRCh37 (hg19) VCF-style: chrX-44922988-C-G.
Other names: c.1870C>G, p.Leu624Val (NM_001291416.2, NM_001419811.1); c.1714C>G, p.Leu572Val (NM_001291417.2); c.1612C>G, p.Leu538Val (NM_001291418.2, NM_001419815.1); c.961C>G, p.Leu321Val (NM_001291421.2); c.1747C>G, p.Leu583Val (NM_001410742.1, NM_001419814.1); c.2005C>G, p.Leu669Val (NM_001419809.1); c.1903C>G, p.Leu635Val (NM_001419810.1, NM_001419813.1); c.1849C>G, p.Leu617Val (NM_001419812.1, NM_021140.4); short protein forms L321V, L538V, L572V, L583V, L617V, L624V, L635V, L669V.
Identifiers: ClinVar variation 2630767 (VCV002630767.1), dbSNP rs2147998601, ClinGen allele CA412790521.